The following is an entry in ClinVar:

NM_001348768.2(HECW2):c.2409G>C (p.Gln803His)

Gene: HECW2 (HECT, C2 and WW domain containing E3 ubiquitin protein ligase 2; minus strand). Cytogenetic location: 2q32.3.
Variant type: single nucleotide variant.
Coding change: c.2409G>C on transcript NM_001348768.2 (MANE Select); coding-DNA position 2409, G replaced by C.
Protein change: p.Gln803His; replaces glutamine 803 with histidine.
Molecular consequence: missense variant.
Genome position (GRCh38, 1-based): chr2:196,317,299, C>G on the plus strand (G>C on the coding strand, the complement: HECW2 is on the minus strand). VCF-style: chr2-196317299-C-G. GRCh37 (hg19) VCF-style: chr2-197182023-C-G.
Other names: c.1341G>C, p.Gln447His (NM_001304840.3); c.2409G>C, p.Gln803His (NM_020760.4); short protein forms Q447H, Q803H.
Identifiers: ClinVar variation 3365430 (VCV003365430.1).

ClinVar aggregate classification (germline): Uncertain significance (1 of 4 stars; one submission).

Submission:

GeneDx
Classification: Uncertain significance. Last evaluated: 2023-12-15. Review status: criteria provided, single submitter. Criteria: GeneDx Variant Classification Process June 2021. Collection method: clinical testing. Allele origin: germline. Affected: yes.
Comment: Not observed at significant frequency in large population cohorts (gnomAD); In silico analysis supports that this missense variant does not alter protein structure/function; Has not been previously published as pathogenic or benign to our knowledge